The following is an entry in ClinVar:

NM_198576.4(AGRN):c.3718C>T (p.Pro1240Ser)

Gene: AGRN (agrin; plus strand). Cytogenetic location: 1p36.33.
Variant type: single nucleotide variant.
Coding change: c.3718C>T on transcript NM_198576.4 (MANE Select); coding-DNA position 3718, C replaced by T.
Protein change: p.Pro1240Ser; replaces proline 1240 with serine.
Molecular consequence: missense variant.
Genome position (GRCh38, 1-based): chr1:1,047,862, C>T. VCF-style: chr1-1047862-C-T. GRCh37 (hg19) VCF-style: chr1-983242-C-T.
Other names: c.3718C>T, p.Pro1240Ser (NM_001305275.2); c.3403C>T, p.Pro1135Ser (NM_001364727.2); short protein forms P1135S, P1240S.
Identifiers: ClinVar variation 849531 (VCV000849531.5), dbSNP rs768688185, ClinGen allele CA509197.
Genomic context (GRCh38, chr1:1,047,862, plus strand): 5'-GCCCGGGCCCTGCTCCGGCAGATCCAGGTGTCCAGGCGCCGGTCCTTGGGGGTGAGGCGG[C>T]CGCTGCAGGAGCACGTGCGATTTATGGACTTTGGTGAGCGCCAGGCCACGAGCCACAGCT-3'
Protein context (NP_940978.2, residues 1230-1250): SRRRSLGVRR[Pro1240Ser]LQEHVRFMDF

ClinVar aggregate classification (germline): Uncertain significance (1 of 4 stars; one submission).

Conditions:
Congenital myasthenic syndrome 8. Also called: MYASTHENIC SYNDROME, CONGENITAL, DUE TO AGRIN DEFICIENCY; Myasthenic syndrome, congenital, 8, with pre- and postsynaptic defects. Identifiers: Orphanet 590, MedGen C3808739, MONDO:0014052, OMIM 615120.

Allele frequency attached by ClinVar (database versions not stated): gnomAD 0.00005 and 0.00006; gnomAD exomes 0.00009 and 0.00022; TOPMed 0.00009; ExAC 0.00023.
gnomAD v4.1: 63 of 1,605,600 alleles (0.0039%); highest among the groups gnomAD compares: Admixed American, 0.1%; no homozygotes.

Submission:

Labcorp Genetics (formerly Invitae), Labcorp
Classification: Uncertain significance for Congenital myasthenic syndrome 8. Last evaluated: 2022-10-18. Review status: criteria provided, single submitter. Criteria: Invitae Variant Classification Sherloc (09022015). Collection method: clinical testing. Allele origin: germline.
Comment: This sequence change replaces proline, which is neutral and non-polar, with serine, which is neutral and polar, at codon 1240 of the AGRN protein (p.Pro1240Ser). This variant is present in population databases (rs768688185, gnomAD 0.2%). This variant has not been reported in the literature in individuals affected with AGRN-related conditions. ClinVar contains an entry for this variant (Variation ID: 849531). Algorithms developed to predict the effect of missense changes on protein structure and function are either unavailable or do not agree on the potential impact of this missense change (SIFT: "Deleterious"; PolyPhen-2: "Possibly Damaging"; Align-GVGD: "Class C0"). In summary, the available evidence is currently insufficient to determine the role of this variant in disease. Therefore, it has been classified as a Variant of Uncertain Significance.